The following is an entry in ClinVar:

ClinVar aggregate classification (germline): Uncertain significance. Review status: criteria provided, multiple submitters, no conflicts (2 of 4 stars). 2 submissions from 2 submitters: Uncertain significance (2). Last evaluated 2024-11-04.

Conditions:
ALMS1-related disorder. Also called: ALMS1-related condition.
Cardiovascular phenotype. Identifiers: MedGen CN230736.

Submissions (2):

Ambry Genetics
Classification: Uncertain significance for Cardiovascular phenotype. Last evaluated: 2024-11-04. Review status: criteria provided, single submitter. Criteria: Ambry Variant Classification Scheme 2023. Collection method: clinical testing. Allele origin: germline.
Comment: The p.D2159G variant (also known as c.6476A>G), located in coding exon 8 of the ALMS1 gene, results from an A to G substitution at nucleotide position 6476. The aspartic acid at codon 2159 is replaced by glycine, an amino acid with similar properties. This amino acid position is not well conserved in available vertebrate species. In addition, this alteration is predicted to be tolerated by in silico analysis. Based on the available evidence, the clinical significance of this variant remains unclear.

PreventionGenetics, part of Exact Sciences
Classification: Uncertain significance for ALMS1-related condition. Last evaluated: 2023-12-31. Review status: criteria provided, single submitter. Criteria: ACMG Guidelines, 2015. Collection method: clinical testing. Allele origin: germline.
Comment: The ALMS1 c.6476A>G variant is predicted to result in the amino acid substitution p.His2159Arg. To our knowledge, this variant has not been reported in the literature. This variant is reported in 0.0029% of alleles in individuals of Latino descent in gnomAD. At this time, the clinical significance of this variant is uncertain due to the absence of conclusive functional and genetic evidence.

NM_001378454.1(ALMS1):c.6473A>G (p.Asp2158Gly)

Gene: ALMS1 (ALMS1 centrosome and basal body associated protein; plus strand). Cytogenetic location: 2p13.1.
Variant type: single nucleotide variant.
Coding change: c.6473A>G on transcript NM_001378454.1 (MANE Select); coding-DNA position 6473, A replaced by G.
Protein change: p.Asp2158Gly; replaces aspartic acid 2158 with glycine.
Molecular consequence: missense variant.
Genome position (GRCh38, 1-based): chr2:73,453,000, A>G. VCF-style: chr2-73453000-A-G. GRCh37 (hg19) VCF-style: chr2-73680127-A-G.
Other names: c.6476A>G, p.Asp2159Gly (NM_015120.4); short protein forms D2158G, D2159G.
Identifiers: ClinVar variation 3047380 (VCV003047380.2), dbSNP rs2466109212, ClinGen allele CA347287949.